The following is an entry in ClinVar:

NM_206937.2(LIG4):c.527C>T (p.Thr176Ile)

Gene: LIG4 (DNA ligase 4; minus strand). Cytogenetic location: 13q33.3.
Variant type: single nucleotide variant.
Coding change: c.527C>T on transcript NM_206937.2 (MANE Select); coding-DNA position 527, C replaced by T.
Protein change: p.Thr176Ile; replaces threonine 176 with isoleucine.
Molecular consequence: missense variant.
Genome position (GRCh38, 1-based): chr13:108,210,742, G>A on the plus strand (C>T on the coding strand, the complement: LIG4 is on the minus strand). VCF-style: chr13-108210742-G-A. GRCh37 (hg19) VCF-style: chr13-108863090-G-A.
Other names: c.527C>T, p.Thr176Ile (NM_001098268.2, NM_001352598.2, NM_001352599.2 and 6 more transcripts); c.326C>T, p.Thr109Ile (NM_001330595.2); c.563C>T, p.Thr188Ile (NM_001352604.2); short protein forms T109I, T176I, T188I.
Identifiers: ClinVar variation 1008121 (VCV001008121.4), dbSNP rs1420503689, ClinGen allele CA388621485.

ClinVar aggregate classification (germline): Uncertain significance (1 of 4 stars; one submission).

Conditions:
DNA ligase IV deficiency. Identifiers: Orphanet 99812, MedGen C1847827, MONDO:0011686, OMIM 606593.

Allele frequency attached by ClinVar (database versions not stated): gnomAD exomes below 0.00001; gnomAD 0.00001; TOPMed 0.00002.
gnomAD v4.1: 8 of 1,613,918 alleles (0.0005%); highest among the groups gnomAD compares: Non-Finnish European, 0.00068%; no homozygotes.

Submission:

Labcorp Genetics (formerly Invitae), Labcorp
Classification: Uncertain significance for DNA ligase IV deficiency. Last evaluated: 2021-10-12. Review status: criteria provided, single submitter. Criteria: Invitae Variant Classification Sherloc (09022015). Collection method: clinical testing. Allele origin: germline.
Comment: This sequence change replaces threonine with isoleucine at codon 176 of the LIG4 protein (p.Thr176Ile). The threonine residue is moderately conserved and there is a moderate physicochemical difference between threonine and isoleucine. This variant is not present in population databases (ExAC no frequency). This variant has not been reported in the literature in individuals affected with LIG4-related conditions. Algorithms developed to predict the effect of missense changes on protein structure and function (SIFT, PolyPhen-2, Align-GVGD) all suggest that this variant is likely to be tolerated. In summary, the available evidence is currently insufficient to determine the role of this variant in disease. Therefore, it has been classified as a Variant of Uncertain Significance.